The following is an entry in ClinVar:

ClinVar aggregate classification (germline): Uncertain significance (1 of 4 stars; one submission).

Submission:

Labcorp Genetics (formerly Invitae), Labcorp
Classification: Uncertain significance. Last evaluated: 2023-09-05. Review status: criteria provided, single submitter. Criteria: Invitae Variant Classification Sherloc (09022015). Collection method: clinical testing. Allele origin: germline.
Comment: In summary, the available evidence is currently insufficient to determine the role of this variant in disease. Therefore, it has been classified as a Variant of Uncertain Significance. Variants that disrupt the consensus splice site are a relatively common cause of aberrant splicing (PMID: 17576681, 9536098). Algorithms developed to predict the effect of sequence changes on RNA splicing suggest that this variant may disrupt the consensus splice site. ClinVar contains an entry for this variant (Variation ID: 1513696). This variant has not been reported in the literature in individuals affected with NTRK2-related conditions. This variant is not present in population databases (gnomAD no frequency). This sequence change falls in intron 13 of the NTRK2 gene. It does not directly change the encoded amino acid sequence of the NTRK2 protein. It affects a nucleotide within the consensus splice site.

Literature cited by the submitters: PubMed 17576681; PubMed 9536098.

NM_006180.6(NTRK2):c.1296+6T>G

Gene: NTRK2 (neurotrophic receptor tyrosine kinase 2; plus strand). Cytogenetic location: 9q21.33.
Variant type: single nucleotide variant.
Coding change: c.1296+6T>G on transcript NM_006180.6 (MANE Select); 6 bases into the intron after coding-DNA position 1296, T replaced by G.
Molecular consequence: intron variant.
Genome position (GRCh38, 1-based): chr9:84,745,079, T>G. VCF-style: chr9-84745079-T-G. GRCh37 (hg19) VCF-style: chr9-87359994-T-G.
Other names: c.1296+6T>G (NM_001369532.1, NM_001369533.1, NM_001018066.3 and 15 more transcripts); c.1257+6T>G (NM_001291937.2, NM_001369546.1); c.1260+6T>G (NM_001369534.1); c.828+6T>G (NM_001369536.1, NM_001369535.1, NM_001369550.1 and 2 more transcripts).
Identifiers: ClinVar variation 1513696 (VCV001513696.6), dbSNP rs2063949000, ClinGen allele CA1860681759.